The following is an entry in ClinVar:

NM_000732.6(CD3D):c.202C>T (p.Arg68Ter)

Gene: CD3D (CD3 delta subunit of T-cell receptor complex; minus strand). Cytogenetic location: 11q23.3.
Variant type: single nucleotide variant.
Coding change: c.202C>T on transcript NM_000732.6 (MANE Select); coding-DNA position 202, C replaced by T.
Protein change: p.Arg68Ter; replaces arginine 68 with a stop codon.
Molecular consequence: nonsense.
Genome position (GRCh38, 1-based): chr11:118,340,447, G>A on the plus strand (C>T on the coding strand, the complement: CD3D is on the minus strand). VCF-style: chr11-118340447-G-A. GRCh37 (hg19) VCF-style: chr11-118211162-G-A.
Other names: c.202C>T, p.Arg68Ter (NM_001040651.2); short protein forms R68*.
Identifiers: ClinVar variation 12747 (VCV000012747.18), dbSNP rs111033580, ClinGen allele CA149740.

ClinVar aggregate classification (germline): Pathogenic. Review status: criteria provided, multiple submitters, no conflicts (2 of 4 stars). 7 submissions from 7 submitters: Pathogenic (6). 1 of the submissions does not count toward it. Last evaluated 2026-01-04.

Conditions:
CD3D-related disorder. Also called: CD3D-related condition.
Immunodeficiency 19 (IMD19). Also called: IMMUNODEFICIENCY 19, SEVERE COMBINED; CD3-DELTA DEFICIENCY; SEVERE COMBINED IMMUNODEFICIENCY, T CELL-NEGATIVE, B CELL-POSITIVE, NK CELL-POSITIVE; SCID, T CELL-NEGATIVE, B CELL-POSITIVE, NK CELL-POSITIVE. Identifiers: MedGen C3810147, MONDO:0014280, OMIM 615617.

Allele frequency attached by ClinVar (database versions not stated): TOPMed 0.00004.

Submissions (7):

Labcorp Genetics (formerly Invitae), Labcorp
Classification: Pathogenic for Immunodeficiency 19. Last evaluated: 2026-01-04. Review status: criteria provided, single submitter. Criteria: Invitae Variant Classification Sherloc (09022015). Collection method: clinical testing. Allele origin: germline.
Comment: This sequence change creates a premature translational stop signal (p.Arg68*) in the CD3D gene. It is expected to result in an absent or disrupted protein product. Loss-of-function variants in CD3D are known to be pathogenic (PMID: 14602880, 15546002). This variant is present in population databases (rs111033580, gnomAD 0.004%). This premature translational stop signal has been observed in individuals with severe combined immunodeficiency (SCID) (PMID: 14602880, 15546002, 21883749, 22039266, 27807805). It has also been observed to segregate with disease in related individuals. ClinVar contains an entry for this variant (Variation ID: 12747). Algorithms developed to predict the effect of sequence changes on RNA splicing suggest that this variant may disrupt the consensus splice site. For these reasons, this variant has been classified as Pathogenic.

First Genomix Gene Laboratory, Genetic Diagnostics Department
Classification: Pathogenic for Immunodeficiency 19. Last evaluated: 2025-06-20. Review status: criteria provided, single submitter. Criteria: ACMG Guidelines, 2015. Collection method: clinical testing. Allele origin: germline. Inheritance: Autosomal recessive inheritance. Affected: no. Observed: 1 variant allele.

Blueprint Genetics
Classification: Pathogenic for CD3D-related disorders. Last evaluated: 2024-11-27. Review status: criteria provided, single submitter. Criteria: ACMG Guidelines, 2015. Collection method: clinical testing. Allele origin: germline. Affected: yes. Observed: 5 variant alleles.

Fulgent Genetics
Classification: Pathogenic for Immunodeficiency 19. Last evaluated: 2024-04-07. Review status: criteria provided, single submitter. Criteria: ACMG Guidelines, 2015. Collection method: clinical testing. Allele origin: germline.

Institute of Human Genetics, University of Leipzig Medical Center
Classification: Pathogenic for Immunodeficiency 19. Last evaluated: 2023-06-14. Review status: criteria provided, single submitter. Criteria: ACMG Guidelines, 2015. Collection method: clinical testing. Allele origin: paternal. Inheritance: Autosomal recessive inheritance. Affected: yes.
Comment: Criteria applied: PVS1,PM3,PM2_SUP

Dubai Health Genomic Medicine Center, Dubai Health
Classification: Pathogenic. Last evaluated: 2022-12-17. Review status: criteria provided, single submitter. Criteria: ACMG Guidelines, 2015. Collection method: clinical testing. Allele origin: germline. Affected: yes.

OMIM
Classification: Pathogenic for IMMUNODEFICIENCY 19. Last evaluated: 2011-11-01. Review status: no assertion criteria provided. Collection method: literature only. Allele origin: germline. Not counted in ClinVar's aggregate classification.

Literature cited by the submitters: PubMed 14602880 (cited by Labcorp Genetics (formerly Invitae), Labcorp and OMIM); PubMed 15546002 (cited by Labcorp Genetics (formerly Invitae), Labcorp); PubMed 21883749 (cited by Labcorp Genetics (formerly Invitae), Labcorp and OMIM); PubMed 22039266 (cited by Labcorp Genetics (formerly Invitae), Labcorp); PubMed 27807805 (cited by Labcorp Genetics (formerly Invitae), Labcorp); PubMed 10935641 (cited by OMIM).